The following is an entry in ClinVar:

NM_005902.4(SMAD3):c.999G>A (p.Lys333=)

Gene: SMAD3 (SMAD family member 3; plus strand). Cytogenetic location: 15q22.33.
Variant type: single nucleotide variant.
Coding change: c.999G>A on transcript NM_005902.4 (MANE Select); coding-DNA position 999, G replaced by A.
Protein change: p.Lys333=; no amino-acid change (lysine 333 retained).
Molecular consequence: synonymous variant.
Genome position (GRCh38, 1-based): chr15:67,184,854, G>A. VCF-style: chr15-67184854-G-A. GRCh37 (hg19) VCF-style: chr15-67477192-G-A.
Other names: c.684G>A, p.Lys228= (NM_001145102.2); c.867G>A, p.Lys289= (NM_001145103.2); c.414G>A, p.Lys138= (NM_001145104.2); c.999G>A (NM_005902.3).
Identifiers: ClinVar variation 1586312 (VCV001586312.10), dbSNP rs781081744, ClinGen allele CA062881.

ClinVar aggregate classification (germline): Conflicting classifications of pathogenicity. Review status: criteria provided, conflicting classifications (1 of 4 stars). 4 submissions from 4 submitters: Uncertain significance (2); Likely benign (2). Last evaluated 2026-01-14.

Conditions:
Aneurysm-osteoarthritis syndrome. Also called: SMAD3-Related Loeys-Dietz Syndrome; Loeys-Dietz syndrome, type 1C; ANEURYSMS-OSTEOARTHRITIS SYNDROME; LOEYS-DIETZ SYNDROME WITH OSTEOARTHRITIS. Identifiers: Orphanet 284984, MedGen C3151087, MONDO:0013426, OMIM 613795.
Familial thoracic aortic aneurysm and aortic dissection (TAAD). Also called: Thoracic aortic aneurysms and dissections. Identifiers: Orphanet 91387, MedGen C4707243, MONDO:0019625.

Allele frequency attached by ClinVar (database versions not stated): gnomAD exomes 0.00002; ExAC 0.00003.
gnomAD v4.1: 27 of 1,612,984 alleles (0.0017%); highest among the groups gnomAD compares: South Asian, 0.027%; no homozygotes.

Submissions (4):

Labcorp Genetics (formerly Invitae), Labcorp
Classification: Likely benign for Familial thoracic aortic aneurysm and aortic dissection. Last evaluated: 2026-01-14. Review status: criteria provided, single submitter. Criteria: Invitae Variant Classification Sherloc (09022015). Collection method: clinical testing. Allele origin: germline.

Ambry Genetics
Classification: Likely benign for Familial thoracic aortic aneurysm and aortic dissection. Last evaluated: 2024-12-13. Review status: criteria provided, single submitter. Criteria: Ambry Variant Classification Scheme 2023. Collection method: clinical testing. Allele origin: germline.

All of Us Research Program, National Institutes of Health
Classification: Uncertain significance for Aneurysm-osteoarthritis syndrome. Last evaluated: 2023-08-15. Review status: criteria provided, single submitter. Criteria: ACMG Guidelines, 2015. Collection method: clinical testing. Allele origin: germline. Inheritance: Autosomal dominant inheritance. Observed: 1 variant allele, 1 heterozygote.
Comment: This variant is located in the SMAD3 protein. To our knowledge, functional studies have not been reported for this variant. This variant has not been reported in individuals affected with SMAD3-related disorders in the literature. This variant has been identified in 6/251346 chromosomes in the general population by the Genome Aggregation Database (gnomAD). The available evidence is insufficient to determine the role of this variant in disease conclusively. Therefore, this variant is classified as a Variant of Uncertain Significance.

This study involves interpretation of variants in research participants for the purpose of population health screening. Participant phenotype was not available at the time of variant classification. Additional details can be found in publication PMID: 35346344, PMCID: PMC8962531

Color Diagnostics, LLC DBA Color Health
Classification: Uncertain significance for Familial thoracic aortic aneurysm and aortic dissection. Last evaluated: 2023-07-21. Review status: criteria provided, single submitter. Criteria: ACMG Guidelines, 2015. Collection method: clinical testing. Allele origin: germline.
Comment: This variant is located in the SMAD3 protein. To our knowledge, functional studies have not been reported for this variant. This variant has not been reported in individuals affected with SMAD3-related disorders in the literature. This variant has been identified in 6/251346 chromosomes in the general population by the Genome Aggregation Database (gnomAD). The available evidence is insufficient to determine the role of this variant in disease conclusively. Therefore, this variant is classified as a Variant of Uncertain Significance.